The following is an entry in ClinVar:

ClinVar aggregate classification (germline): Pathogenic (1 of 4 stars; one submission).

Conditions:
Nephrotic syndrome, type 12 (NPHS12). Identifiers: Orphanet 656, MedGen C4225166, MONDO:0014817, OMIM 616892.

Submission:

Women's Health and Genetics/Laboratory Corporation of America, LabCorp
Classification: Pathogenic for Nephrotic syndrome, type 12. Last evaluated: 2024-12-31. Review status: criteria provided, single submitter. Criteria: LabCorp Variant Classification Summary - May 2015. Collection method: clinical testing. Allele origin: germline.
Comment: Variant summary: NUP93 c.724delC (p.Leu242X) results in a premature termination codon, predicted to cause a truncation of the encoded protein or absence of the protein due to nonsense mediated decay, which are commonly known mechanisms for disease. The variant was absent in 251344 control chromosomes. To our knowledge, no occurrence of c.724delC in individuals affected with Nephrotic Syndrome, Type 12 and no experimental evidence demonstrating its impact on protein function have been reported. No submitters have cited clinical-significance assessments for this variant to ClinVar. Based on the evidence outlined above, the variant was classified as pathogenic.

NM_014669.5(NUP93):c.724del (p.Ala241_Leu242insTer)

Gene: NUP93 (nucleoporin 93; plus strand). Cytogenetic location: 16q13.
Variant type: Deletion.
Coding change: c.724del on transcript NM_014669.5 (MANE Select); coding-DNA position 724, one base deleted (C; older notation c.724delC).
Protein change: p.Ala241_Leu242insTer.
Molecular consequence: nonsense.
Genome position (GRCh38, 1-based): chr16:56,823,776, C deleted; the last of 3 consecutive C bases (chr16:56,823,774-56,823,776); deleting any one gives the same sequence. VCF-style (leftmost placement, unchanged base first): chr16-56823773-GC-G. GRCh37 (hg19) VCF-style: chr16-56857685-GC-G.
Other names: c.355del, p.Ala118_Leu119insTer (NM_001242795.2, NM_001242796.2); c.724delC (NM_014669.5).
Identifiers: ClinVar variation 3768431 (VCV003768431.1).